The following is an entry in ClinVar:

ClinVar aggregate classification (germline): Pathogenic. Review status: criteria provided, multiple submitters, no conflicts (2 of 4 stars). 2 submissions from 2 submitters: Pathogenic (2). Last evaluated 2025-07-15.

Submissions (2):

Labcorp Genetics (formerly Invitae), Labcorp
Classification: Pathogenic. Last evaluated: 2025-07-15. Review status: criteria provided, single submitter. Criteria: Invitae Variant Classification Sherloc (09022015). Collection method: clinical testing. Allele origin: germline.
Comment: This sequence change creates a premature translational stop signal (p.Phe1286Argfs*102) in the ABCA4 gene. It is expected to result in an absent or disrupted protein product. Loss-of-function variants in ABCA4 are known to be pathogenic (PMID: 10958761, 24938718, 25312043, 26780318). This variant is not present in population databases (gnomAD no frequency). This variant has not been reported in the literature in individuals affected with ABCA4-related conditions. ClinVar contains an entry for this variant (Variation ID: 972090). For these reasons, this variant has been classified as Pathogenic.

Institute of Medical Genetics and Applied Genomics, University Hospital Tübingen
Classification: Pathogenic. Last evaluated: 2020-10-23. Review status: criteria provided, single submitter. Criteria: ACMG Guidelines, 2015. Collection method: clinical testing. Allele origin: germline. Inheritance: Autosomal recessive inheritance. Affected: yes.

Literature cited by the submitters: PubMed 10958761 (cited by Labcorp Genetics (formerly Invitae), Labcorp); PubMed 24938718 (cited by Labcorp Genetics (formerly Invitae), Labcorp); PubMed 25312043 (cited by Labcorp Genetics (formerly Invitae), Labcorp); PubMed 26780318 (cited by Labcorp Genetics (formerly Invitae), Labcorp).

NM_000350.3(ABCA4):c.3856_3859del (p.Phe1286fs)

Genes: ABCA4 (ATP binding cassette subfamily A member 4; minus strand), LOC126805794 (BRD4-independent group 4 enhancer GRCh37_chr1:94502188-94503387; plus strand). Cytogenetic location: 1p22.1.
Variant type: Deletion.
Coding change: c.3856_3859del on transcript NM_000350.3 (MANE Select); coding-DNA positions 3856 to 3859, 4 bases deleted (TTTG; older notation c.3856_3859delTTTG).
Protein change: p.Phe1286fs; shifts the reading frame from phenylalanine 1286.
Molecular consequence: frameshift variant.
Genome position (GRCh38, 1-based): chr1:94,036,743-94,036,746, CAAA deleted on the plus strand (TTTG on the coding strand, the reverse complement: ABCA4 is on the minus strand); deleting any 4 consecutive bases within chr1:94,036,743-94,036,748 gives the same sequence; the c. name uses the placement nearest the transcript's 3' end. VCF-style (leftmost placement, unchanged base first): chr1-94036742-GCAAA-G. GRCh37 (hg19) VCF-style: chr1-94502298-GCAAA-G.
Other names: c.3632_3635delTGTT, p.Phe1212Argfs (NM_001425324.1); short protein forms F1286fs.
Identifiers: ClinVar variation 972090 (VCV000972090.10), dbSNP rs1660348024, ClinGen allele CA1139656201.